The following is an entry in ClinVar:

NM_006939.4(SOS2):c.1439G>T (p.Gly480Val)

Gene: SOS2 (SOS Ras/Rho guanine nucleotide exchange factor 2; minus strand). Cytogenetic location: 14q21.3.
Variant type: single nucleotide variant.
Coding change: c.1439G>T on transcript NM_006939.4 (MANE Select); coding-DNA position 1439, G replaced by T.
Protein change: p.Gly480Val; replaces glycine 480 with valine.
Molecular consequence: missense variant.
Genome position (GRCh38, 1-based): chr14:50,159,844, C>A on the plus strand (G>T on the coding strand, the complement: SOS2 is on the minus strand). VCF-style: chr14-50159844-C-A. GRCh37 (hg19) VCF-style: chr14-50626562-C-A.
Other names: c.1340G>T, p.Gly447Val (NM_001411020.1); short protein forms G447V, G480V.
Identifiers: ClinVar variation 4975534 (VCV004975534.1).
Genomic context (GRCh38, chr14:50,159,844, plus strand): 5'-CAAATTTGTATTTTCCTCATGACAAATTTTTCTTTTAACCTGTATTCTGCACTACTGTAA[C>A]CTGGAAGCCGAGTCTGGCCATGATTAGGTTTACAACTGATCATTAAGCCATCAAACAGAA-3'
Protein context (NP_008870.2, residues 470-490): KPNHGQTRLP[Gly480Val]YSSAEYRLKE

ClinVar aggregate classification (germline): Uncertain significance (1 of 4 stars; one submission).

gnomAD v4.1: 1 of 1,614,070 alleles (0.000062%); highest among the groups gnomAD compares: South Asian, 0.0011%; no homozygotes.

Submission:

GeneDx
Classification: Uncertain significance. Last evaluated: 2026-02-03. Review status: criteria provided, single submitter. Criteria: GeneDx Variant Classification Process June 2021. Collection method: clinical testing. Allele origin: germline.
Comment: Not observed at significant frequency in large population cohorts (gnomAD); In silico analysis supports that this missense variant has a deleterious effect on protein structure/function; Has not been previously published as pathogenic or benign to our knowledge